The following is an entry in ClinVar:

NM_005529.7(HSPG2):c.83C>T (p.Ala28Val)

Gene: HSPG2 (heparan sulfate proteoglycan 2; minus strand). Cytogenetic location: 1p36.12.
Variant type: single nucleotide variant.
Coding change: c.83C>T on transcript NM_005529.7 (MANE Select); coding-DNA position 83, C replaced by T.
Protein change: p.Ala28Val; replaces alanine 28 with valine.
Molecular consequence: missense variant.
Genome position (GRCh38, 1-based): chr1:21,896,291, G>A on the plus strand (C>T on the coding strand, the complement: HSPG2 is on the minus strand). VCF-style: chr1-21896291-G-A. GRCh37 (hg19) VCF-style: chr1-22222784-G-A.
Other names: c.83C>T, p.Ala28Val (NM_001291860.2); short protein forms A28V.
Identifiers: ClinVar variation 1049301 (VCV001049301.9), dbSNP rs754643779, ClinGen allele CA674035.

ClinVar aggregate classification (germline): Conflicting classifications of pathogenicity. Review status: criteria provided, conflicting classifications (1 of 4 stars). 3 submissions from 3 submitters: Uncertain significance (1); Likely benign (1). 1 of the submissions does not count toward it. Last evaluated 2025-12-08.

Conditions:
Connective tissue disorder. Also called: Connective tissue disease. Identifiers: MedGen C0009782, MONDO:0003900.

Allele frequency attached by ClinVar (database versions not stated): TOPMed 0.00001; gnomAD 0.00009; gnomAD exomes 0.00017 and 0.00031; ExAC 0.00030.
gnomAD v4.1: 258 of 1,613,702 alleles (0.016%); highest among the groups gnomAD compares: South Asian, 0.27%; 5 homozygotes.

Submissions (3):

Labcorp Genetics (formerly Invitae), Labcorp
Classification: Likely benign. Last evaluated: 2025-12-08. Review status: criteria provided, single submitter. Criteria: Invitae Variant Classification Sherloc (09022015). Collection method: clinical testing. Allele origin: germline.

Genome Diagnostics Laboratory, The Hospital for Sick Children
Classification: Uncertain significance for Connective tissue disorder. Last evaluated: 2019-10-01. Review status: criteria provided, single submitter. Criteria: ACMG Guidelines, 2015. Collection method: clinical testing. Allele origin: germline.

Department of Pathology and Laboratory Medicine, Sinai Health System
Classification: Uncertain significance. Review status: no assertion criteria provided. Collection method: clinical testing. Allele origin: unknown. Affected: yes. Study: The Canadian Open Genetics Repository (COGR). Not counted in ClinVar's aggregate classification.
Comment: The HSPG2 p.Ala28Val variant was not identified in the literature nor was it identified in ClinVar or LOVD 3.0. The variant was identified in dbSNP (ID: rs754643779) and in control databases in 77 of 251010 chromosomes at a frequency of 0.0003068 (Genome Aggregation Database March 6, 2019, v2.1.1). The variant was observed in the South Asian population in 77 of 30616 chromosomes (freq: 0.002515), but was not observed in the African, Latino, Ashkenazi Jewish, East Asian, European (Finnish), European (non-Finnish), or Other populations. The p.Ala28 residue is conserved in mammals and computational analyses (PolyPhen-2, SIFT, AlignGVGD, BLOSUM, MutationTaster) provide inconsistent predictions regarding the impact to the protein; this information is not very predictive of pathogenicity. The variant occurs outside of the splicing consensus sequence and three of four in silico or computational prediction software programs (SpliceSiteFinder, MaxEntScan, NNSPLICE, GeneSplicer) do not predict a greater than 10% difference in splicing; this is not very predictive of pathogenicity. In summary, based on the above information the clinical significance of this variant cannot be determined with certainty at this time. This variant is classified as a variant of uncertain significance.